The following is an entry in ClinVar:

NM_002693.3(POLG):c.86C>G (p.Ser29Cys)

Genes: POLG (DNA polymerase gamma, catalytic subunit; minus strand), POLGARF (POLG alternative reading frame; minus strand). Cytogenetic location: 15q26.1.
Variant type: single nucleotide variant.
Coding change: c.86C>G on transcript NM_002693.3 (MANE Select); coding-DNA position 86, C replaced by G.
Protein change: p.Ser29Cys; replaces serine 29 with cysteine.
Molecular consequence: missense variant.
Genome position (GRCh38, 1-based): chr15:89,333,669, G>C on the plus strand (C>G on the coding strand, the complement: POLG is on the minus strand). VCF-style: chr15-89333669-G-C. GRCh37 (hg19) VCF-style: chr15-89876900-G-C.
Other names: p.S29C:TCC>TGC; c.86C>G, p.Ser29Cys (NM_001126131.2); short protein forms S29C.
Identifiers: ClinVar variation 206550 (VCV000206550.10), dbSNP rs796052895, ClinGen allele CA316744.

ClinVar aggregate classification (germline): Uncertain significance. Review status: criteria provided, multiple submitters, no conflicts (2 of 4 stars). 5 submissions from 5 submitters: Uncertain significance (4). 1 of the submissions does not count toward it. Last evaluated 2026-09-10.

Conditions:
POLG-related disorder. Also called: POLG-Related Spectrum Disorders; POLG-related condition; POLG-Related Disorders. Identifiers: MedGen C4763519.
Mitochondrial DNA depletion syndrome 4b. Also called: Mitochondrial Neurogastrointestinal Encephalopathy Disease, POLG-Related; MNGIE, POLG-RELATED. Identifiers: Orphanet 298, MedGen C3150914, MONDO:0013350, OMIM 613662.
Progressive external ophthalmoplegia with mitochondrial DNA deletions, autosomal dominant 1 (PEOA1). Also called: PROGRESSIVE EXTERNAL OPHTHALMOPLEGIA, AUTOSOMAL DOMINANT 1; Autosomal Dominant Progressive External Ophthalmoplegia (adPEO). Identifiers: MedGen C1834846, MONDO:0024528, OMIM 157640.
Progressive external ophthalmoplegia with mitochondrial DNA deletions, autosomal recessive 1 (PEOB1). Also called: Autosomal Recessive Progressive External Ophthalmoplegia (arPEO); Progressive external ophthalmoplegia, autosomal recessive 1. Identifiers: Orphanet 254886, MedGen C4225153, MONDO:0009783, OMIM 258450.
Sensory ataxic neuropathy, dysarthria, and ophthalmoparesis (SANDO). Also called: Sensory ataxic neuropathy-dysarthria-ophthalmoparesis syndrome; SENSORY ATAXIC NEUROPATHY WITH MITOCHONDRIAL DNA DELETIONS, AUTOSOMAL RECESSIVE; Ataxia Neuropathy Spectrum (ANS); Epilepsy, progressive myoclonic, type 5. Identifiers: Orphanet 70595, MedGen C1843851, MONDO:0011835, OMIM 607459.
Progressive sclerosing poliodystrophy (MTDPS4A). Also called: ALPERS DIFFUSE DEGENERATION OF CEREBRAL GRAY MATTER WITH HEPATIC CIRRHOSIS; Mitochondrial DNA depletion syndrome 4A (Alpers type); Alpers Syndrome; Alpers-Huttenlocher Syndrome; Mitochondrial DNA Depletion Syndrome 4A; Alpers-Huttenlocher Syndrome (AHS). Identifiers: Orphanet 726, MedGen C0205710, MONDO:0008758, OMIM 203700.

Allele frequency attached by ClinVar (database versions not stated): gnomAD exomes below 0.00001 and 0.00001.
gnomAD v4.1: 7 of 1,559,570 alleles (0.00045%); highest among the groups gnomAD compares: East Asian, 0.0095%; no homozygotes.

Submissions (5):

GeneDx
Classification: Uncertain significance. Last evaluated: 2026-09-10. Review status: criteria provided, single submitter. Criteria: GeneDx Variant Classification Process June 2021. Collection method: clinical testing. Allele origin: germline.
Comment: In silico analysis suggests that this missense variant does not alter protein structure/function; Has not been previously published as pathogenic or benign to our knowledge

Labcorp Genetics (formerly Invitae), Labcorp
Classification: Uncertain significance for Progressive sclerosing poliodystrophy. Last evaluated: 2025-01-19. Review status: criteria provided, single submitter. Criteria: Invitae Variant Classification Sherloc (09022015). Collection method: clinical testing. Allele origin: germline.
Comment: This sequence change replaces serine, which is neutral and polar, with cysteine, which is neutral and slightly polar, at codon 29 of the POLG protein (p.Ser29Cys). This variant is present in population databases (rs796052895, gnomAD 0.02%). This variant has not been reported in the literature in individuals affected with POLG-related conditions. ClinVar contains an entry for this variant (Variation ID: 206550). Invitae Evidence Modeling of protein sequence and biophysical properties (such as structural, functional, and spatial information, amino acid conservation, physicochemical variation, residue mobility, and thermodynamic stability) has been performed for this missense variant. However, the output from this modeling did not meet the statistical confidence thresholds required to predict the impact of this variant on POLG protein function. In summary, the available evidence is currently insufficient to determine the role of this variant in disease. Therefore, it has been classified as a Variant of Uncertain Significance.

Fulgent Genetics
Classification: Uncertain significance for Progressive external ophthalmoplegia with mitochondrial DNA deletions, autosomal dominant 1; Progressive sclerosing poliodystrophy; Progressive external ophthalmoplegia with mitochondrial DNA deletions, autosomal recessive 1; Sensory ataxic neuropathy, dysarthria, and ophthalmoparesis; Mitochondrial DNA depletion syndrome 4b. Last evaluated: 2024-03-20. Review status: criteria provided, single submitter. Criteria: ACMG Guidelines, 2015. Collection method: clinical testing. Allele origin: germline.

Athena Diagnostics
Classification: Uncertain significance. Last evaluated: 2018-02-27. Review status: criteria provided, single submitter. Criteria: Athena Diagnostics Criteria. Collection method: clinical testing. Allele origin: germline.

PreventionGenetics, part of Exact Sciences
Classification: Uncertain significance for POLG-related condition. Last evaluated: 2024-05-31. Review status: no assertion criteria provided. Collection method: clinical testing. Allele origin: germline. Not counted in ClinVar's aggregate classification.
Comment: The POLG c.86C>G variant is predicted to result in the amino acid substitution p.Ser29Cys. To our knowledge, this variant has not been reported in the literature. This variant is reported in 0.017% of alleles in individuals of East Asian descent in gnomAD. At this time, the clinical significance of this variant is uncertain due to the absence of conclusive functional and genetic evidence.